The following is an entry in ClinVar:

NM_007059.4(KPTN):c.559G>A (p.Val187Met)

Gene: KPTN (kaptin, actin binding protein; minus strand). Cytogenetic location: 19q13.32.
Variant type: single nucleotide variant.
Coding change: c.559G>A on transcript NM_007059.4 (MANE Select); coding-DNA position 559, G replaced by A.
Protein change: p.Val187Met; replaces valine 187 with methionine.
Molecular consequence: missense variant. On other transcripts: non-coding transcript variant (1).
Genome position (GRCh38, 1-based): chr19:47,480,800, C>T on the plus strand (G>A on the coding strand, the complement: KPTN is on the minus strand). VCF-style: chr19-47480800-C-T. GRCh37 (hg19) VCF-style: chr19-47984057-C-T.
Other names: c.391G>A, p.Val131Met (NM_001291296.2); short protein forms V131M, V187M.
Identifiers: ClinVar variation 1057342 (VCV001057342.9), dbSNP rs1247339609, ClinGen allele CA406603946.

ClinVar aggregate classification (germline): Uncertain significance (1 of 4 stars; one submission).

Conditions:
Macrocephaly-developmental delay syndrome (MRT41). Also called: INTELLECTUAL DEVELOPMENTAL DISORDER, AUTOSOMAL RECESSIVE 41. Identifiers: Orphanet 397612, MedGen C3810225, MONDO:0014289, OMIM 615637.

Allele frequency attached by ClinVar (database versions not stated): gnomAD 0.00001; gnomAD exomes 0.00001; TOPMed 0.00002.
gnomAD v4.1: 7 of 1,613,974 alleles (0.00043%); highest among the groups gnomAD compares: African/African-American, 0.0027%; no homozygotes.

Submission:

Labcorp Genetics (formerly Invitae), Labcorp
Classification: Uncertain significance for Macrocephaly-developmental delay syndrome. Last evaluated: 2020-11-04. Review status: criteria provided, single submitter. Criteria: Invitae Variant Classification Sherloc (09022015). Collection method: clinical testing. Allele origin: germline.
Comment: In summary, the available evidence is currently insufficient to determine the role of this variant in disease. Therefore, it has been classified as a Variant of Uncertain Significance. Algorithms developed to predict the effect of missense changes on protein structure and function are either unavailable or do not agree on the potential impact of this missense change (SIFT: "Deleterious"; PolyPhen-2: "Possibly Damaging"; Align-GVGD: "Class C0"). This variant has not been reported in the literature in individuals with KPTN-related conditions. This variant is not present in population databases (ExAC no frequency). This sequence change replaces valine with methionine at codon 187 of the KPTN protein (p.Val187Met). The valine residue is highly conserved and there is a small physicochemical difference between valine and methionine.